The following is an entry in ClinVar:

ClinVar aggregate classification (germline): Uncertain significance (1 of 4 stars; one submission).

Submission:

Labcorp Genetics (formerly Invitae), Labcorp
Classification: Uncertain significance. Last evaluated: 2023-06-15. Review status: criteria provided, single submitter. Criteria: Invitae Variant Classification Sherloc (09022015). Collection method: clinical testing. Allele origin: germline.
Comment: This variant has not been reported in the literature in individuals affected with NPAT-related conditions. This sequence change replaces leucine, which is neutral and non-polar, with isoleucine, which is neutral and non-polar, at codon 126 of the NPAT protein (p.Leu126Ile). This variant is not present in population databases (gnomAD no frequency). Algorithms developed to predict the effect of missense changes on protein structure and function output the following: SIFT: "Not Available"; PolyPhen-2: "Benign"; Align-GVGD: "Not Available". The isoleucine amino acid residue is found in multiple mammalian species, which suggests that this missense change does not adversely affect protein function. In summary, the available evidence is currently insufficient to determine the role of this variant in disease. Therefore, it has been classified as a Variant of Uncertain Significance.

NM_002519.3(NPAT):c.376C>A (p.Leu126Ile)

Gene: NPAT (nuclear protein, coactivator of histone transcription; minus strand). Cytogenetic location: 11q22.3.
Variant type: single nucleotide variant.
Coding change: c.376C>A on transcript NM_002519.3 (MANE Select); coding-DNA position 376, C replaced by A.
Protein change: p.Leu126Ile; replaces leucine 126 with isoleucine.
Molecular consequence: missense variant.
Genome position (GRCh38, 1-based): chr11:108,189,286, G>T on the plus strand (C>A on the coding strand, the complement: NPAT is on the minus strand). VCF-style: chr11-108189286-G-T. GRCh37 (hg19) VCF-style: chr11-108060013-G-T.
Other names: c.376C>A, p.Leu126Ile (NM_001321307.1); short protein forms L126I.
Identifiers: ClinVar variation 2863450 (VCV002863450.3), dbSNP rs2496745867, ClinGen allele CA382525241.
Genomic context (GRCh38, chr11:108,189,286, plus strand): 5'-GTCCTGAAAGGTAAGGTAAAGTGAGCAACTCTGCACTGGCTGGAGCTGTTTGAGATGCAA[G>T]CTTTCTCTGCCGTTTGATTTCTGCAATTCCAGTTCTCGTTCGGGCTGAAACATATAAGCA-3'
Protein context (NP_002510.2, residues 116-136): GIAEIKRQRK[Leu126Ile]ASQTAPASAE